The following is an entry in ClinVar:

NM_000548.5(TSC2):c.1120-11T>C

Gene: TSC2 (TSC complex subunit 2; plus strand). Cytogenetic location: 16p13.3.
Variant type: single nucleotide variant.
Coding change: c.1120-11T>C on transcript NM_000548.5 (MANE Select); 11 bases into the intron before coding-DNA position 1120, T replaced by C.
Molecular consequence: intron variant.
Genome position (GRCh38, 1-based): chr16:2,061,860, T>C. VCF-style: chr16-2061860-T-C. GRCh37 (hg19) VCF-style: chr16-2111861-T-C.
Other names: c.1120-11T>C (NM_001370405.1, NM_001363528.2, NM_001406665.1 and 6 more transcripts); c.-193-11T>C (NM_001406694.1, NM_001406695.1); c.-225-11T>C (NM_001406696.1, NM_001406693.1, NM_001406689.1 and 4 more transcripts); c.1108-11T>C (NM_001406671.1, NM_001406673.1); c.658-11T>C (NM_001406681.1); c.1009-11T>C (NM_001406670.1, NM_001318827.2, NM_001406678.1); c.520-11T>C (NM_001406682.1, NM_001406684.1, NM_001406685.1 and 6 more transcripts); c.1063-11T>C (NM_001406677.1); and 4 more.
Identifiers: ClinVar variation 2723274 (VCV002723274.4), dbSNP rs2086676901, ClinGen allele CA2202009545.
Genomic context (GRCh38, chr16:2,061,860, plus strand): 5'-AGCGAGGCCTCTGGTGCCAAGTCCATGTGGGGAGTGGAAGTCAGCCTGTGTCATCGTGCC[T>C]GGTACTGCAGACCTTGGACAGCCCGGAGCTCAGGACCATCGTCCATGACCTGTTGACCAC-3'

ClinVar aggregate classification (germline): Likely benign. Review status: criteria provided, multiple submitters, no conflicts (2 of 4 stars). 2 submissions from 2 submitters: Likely benign (2). Last evaluated 2025-08-09.

Conditions:
Tuberous sclerosis 2 (TSC2). Identifiers: Orphanet 805, MedGen C1860707, MONDO:0013199, OMIM 613254.

Submissions (2):

Labcorp Genetics (formerly Invitae), Labcorp
Classification: Likely benign for Tuberous sclerosis 2. Last evaluated: 2025-08-09. Review status: criteria provided, single submitter. Criteria: Invitae Variant Classification Sherloc (09022015). Collection method: clinical testing. Allele origin: germline.

Myriad Genetics, Inc.
Classification: Likely benign for Tuberous sclerosis 2. Last evaluated: 2025-05-13. Review status: criteria provided, single submitter. Criteria: Myriad Autosomal Dominant, Autosomal Recessive and X-Linked Classification Criteria (2023). Collection method: clinical testing. Allele origin: unknown.
Comment: This variant is considered likely benign. This variant is intronic and is not expected to impact mRNA splicing.